The following is an entry in ClinVar:

ClinVar aggregate classification (germline): Uncertain significance. Review status: criteria provided, multiple submitters, no conflicts (2 of 4 stars). 3 submissions from 3 submitters: Uncertain significance (3). Last evaluated 2025-05-21.

Conditions:
Familial cancer of breast. Also called: hereditary breast carcinoma; BREAST CANCER, FAMILIAL; Hereditary breast cancer. Identifiers: Orphanet 227535, MedGen C0346153, MONDO:0016419, OMIM 114480. Disease mechanism: loss of function.
Hereditary cancer-predisposing syndrome. Also called: Tumor predisposition; Hereditary neoplastic syndrome; Neoplastic Syndromes, Hereditary; Hereditary Cancer Syndrome. Identifiers: Orphanet 140162, MedGen C0027672, MeSH D009386, MONDO:0015356.

Submissions (3):

Color Diagnostics, LLC DBA Color Health
Classification: Uncertain significance for Hereditary cancer-predisposing syndrome. Last evaluated: 2025-05-21. Review status: criteria provided, single submitter. Criteria: ACMG Guidelines, 2015. Collection method: clinical testing. Allele origin: germline.
Comment: This missense variant replaces tyrosine with cysteine at codon 551 of the PALB2 protein. Computational prediction suggests that this variant may not impact protein structure and function. To our knowledge, functional studies have not been reported for this variant. This variant has not been reported in individuals affected with hereditary cancer in the literature. This variant has not been identified in the general population by the Genome Aggregation Database (gnomAD). The available evidence is insufficient to determine the role of this variant in disease conclusively. Therefore, this variant is classified as a Variant of Uncertain Significance.

Ambry Genetics
Classification: Uncertain significance for Hereditary cancer-predisposing syndrome. Last evaluated: 2024-12-06. Review status: criteria provided, single submitter. Criteria: Ambry Variant Classification Scheme 2023. Collection method: clinical testing. Allele origin: germline.
Comment: The p.Y551C variant (also known as c.1652A>G), located in coding exon 4 of the PALB2 gene, results from an A to G substitution at nucleotide position 1652. The tyrosine at codon 551 is replaced by cysteine, an amino acid with highly dissimilar properties. This amino acid position is poorly conserved in available vertebrate species. In addition, this alteration is predicted to be tolerated by in silico analysis. Since supporting evidence is limited at this time, the clinical significance of this alteration remains unclear.

Labcorp Genetics (formerly Invitae), Labcorp
Classification: Uncertain significance for Familial cancer of breast. Last evaluated: 2021-09-01. Review status: criteria provided, single submitter. Criteria: Invitae Variant Classification Sherloc (09022015). Collection method: clinical testing. Allele origin: germline.
Comment: This sequence change replaces tyrosine with cysteine at codon 551 of the PALB2 protein (p.Tyr551Cys). The tyrosine residue is weakly conserved and there is a large physicochemical difference between tyrosine and cysteine. This variant is not present in population databases (ExAC no frequency). This variant has not been reported in the literature in individuals affected with PALB2-related conditions. Algorithms developed to predict the effect of missense changes on protein structure and function output the following: SIFT: "Tolerated"; PolyPhen-2: "Benign"; Align-GVGD: "Class C0". The cysteine amino acid residue is found in multiple mammalian species, which suggests that this missense change does not adversely affect protein function. In summary, the available evidence is currently insufficient to determine the role of this variant in disease. Therefore, it has been classified as a Variant of Uncertain Significance.

NM_024675.4(PALB2):c.1652A>G (p.Tyr551Cys)

Gene: PALB2 (partner and localizer of BRCA2; minus strand). Cytogenetic location: 16p12.2.
Variant type: single nucleotide variant.
Coding change: c.1652A>G on transcript NM_024675.4 (MANE Select); coding-DNA position 1652, A replaced by G.
Protein change: p.Tyr551Cys; replaces tyrosine 551 with cysteine.
Molecular consequence: missense variant.
Genome position (GRCh38, 1-based): chr16:23,634,894, T>C on the plus strand (A>G on the coding strand, the complement: PALB2 is on the minus strand). VCF-style: chr16-23634894-T-C. GRCh37 (hg19) VCF-style: chr16-23646215-T-C.
Other names: short protein forms Y551C.
Identifiers: ClinVar variation 856757 (VCV000856757.14), dbSNP rs1966949762, ClinGen allele CA395130096.
Genomic context (GRCh38, chr16:23,634,894, plus strand): 5'-CATCATCATCAAACACATCTTGATTTACCTTTCACTTGAATAAATAATTTTTCGTGCTGA[T>C]ATTTGTGTGAGGTGACTTCTTCCTTGGACCTGTTAACAATCGACAGGCTAGAAGTTGGCA-3'
Protein context (NP_078951.2, residues 541-561): RSKEEVTSHK[Tyr551Cys]QHEKLFIQVK